The following is an entry in ClinVar:

NM_024496.4(IRF2BPL):c.721A>C (p.Asn241His)

Gene: IRF2BPL (interferon regulatory factor 2 binding protein like; minus strand). Cytogenetic location: 14q24.3.
Variant type: single nucleotide variant.
Coding change: c.721A>C on transcript NM_024496.4 (MANE Select); coding-DNA position 721, A replaced by C.
Protein change: p.Asn241His; replaces asparagine 241 with histidine.
Molecular consequence: missense variant.
Genome position (GRCh38, 1-based): chr14:77,027,072, T>G on the plus strand (A>C on the coding strand, the complement: IRF2BPL is on the minus strand). VCF-style: chr14-77027072-T-G. GRCh37 (hg19) VCF-style: chr14-77493415-T-G.
Other names: p.Asn241His; c.721A>C (NM_024496.2, NM_024496.3); short protein forms N241H.
Identifiers: ClinVar variation 1694722 (VCV001694722.35), dbSNP rs199502327, ClinGen allele CA7283859.
Genomic context (GRCh38, chr14:77,027,072, plus strand): 5'-GCGTCTGCGGTAGCAGGTTGGGGGGCACGGTGAGCTGGGGGCCTCCGCCACCCCCCGGGT[T>G]GGGCAGCCCCGTAACCAGCCCACCGTGCGTTCCACGCCGAGACGCCACCGACGCCGCCGC-3'
Protein context (NP_078772.1, residues 231-251): THGGLVTGLP[Asn241His]PGGGGGPQLT

ClinVar aggregate classification (germline): Benign/Likely benign. Review status: criteria provided, multiple submitters, no conflicts (2 of 4 stars). 5 submissions from 5 submitters: Benign (2); Likely benign (2). 1 of the submissions does not count toward it. Last evaluated 2026-08-01.

Conditions:
IRF2BPL-related disorder. Also called: IRF2BPL-related condition. Identifiers: MedGen CN381093.
Inborn genetic diseases. Identifiers: MedGen C0950123, MeSH D030342.

Allele frequency attached by ClinVar (database versions not stated): 1000 Genomes Project 30x 0.00234; 1000 Genomes Project 0.00240; ESP Exome Variant Server 0.00286; gnomAD exomes 0.00321 and 0.00557; TOPMed 0.00328; gnomAD 0.00358 and 0.00366; ExAC 0.00728.
gnomAD v4.1: 8,600 of 1,598,508 alleles (0.54%); highest among the groups gnomAD compares: Non-Finnish European, 0.65%; 42 homozygotes.

Submissions (5):

CeGaT Center for Human Genetics Tuebingen
Classification: Benign. Last evaluated: 2026-08-01. Review status: criteria provided, single submitter. Criteria: CeGaT Center For Human Genetics Tuebingen Variant Classification Criteria Version 2. Collection method: clinical testing. Allele origin: germline. Affected: yes. Observed: 33 variant alleles.
Comment: IRF2BPL: BS1, BS2

Blueprint Genetics
Classification: Likely benign. Last evaluated: 2024-11-20. Review status: criteria provided, single submitter. Criteria: ACMG Guidelines, 2015. Collection method: clinical testing. Allele origin: germline.

Mayo Clinic Laboratories, Mayo Clinic
Classification: Benign. Last evaluated: 2024-10-17. Review status: criteria provided, single submitter. Criteria: ACMG Guidelines, 2015. Collection method: clinical testing. Allele origin: germline. Observed: 3 variant alleles.
Comment: BA1, BS2, BP4

Ambry Genetics
Classification: Likely benign for Inborn genetic diseases. Last evaluated: 2024-08-27. Review status: criteria provided, single submitter. Criteria: Ambry Variant Classification Scheme 2023. Collection method: clinical testing. Allele origin: germline.

PreventionGenetics, part of Exact Sciences
Classification: Benign for IRF2BPL-related condition. Last evaluated: 2021-08-30. Review status: no assertion criteria provided. Collection method: clinical testing. Allele origin: germline. Not counted in ClinVar's aggregate classification.
Comment: This variant is classified as benign based on ACMG/AMP sequence variant interpretation guidelines (Richards et al. 2015 PMID: 25741868, with internal and published modifications).